The following is an entry in ClinVar:

NM_001386140.1(MTTP):c.502-1G>C

Gene: MTTP (microsomal triglyceride transfer protein; plus strand). Cytogenetic location: 4q23.
Variant type: single nucleotide variant.
Coding change: c.502-1G>C on transcript NM_001386140.1 (MANE Select); the canonical splice acceptor site of the intron before coding-DNA position 502, G replaced by C.
Molecular consequence: splice acceptor variant.
Genome position (GRCh38, 1-based): chr4:99,591,234, G>C. VCF-style: chr4-99591234-G-C. GRCh37 (hg19) VCF-style: chr4-100512391-G-C.
Other names: c.502-1G>C (NM_000253.3, NM_000253.4); c.253-1G>C (NM_001300785.2).
Identifiers: ClinVar variation 1520206 (VCV001520206.9), dbSNP rs1449774712, ClinGen allele CA357504318.

ClinVar aggregate classification (germline): Likely pathogenic. Review status: criteria provided, multiple submitters, no conflicts (2 of 4 stars). 2 submissions from 2 submitters: Likely pathogenic (2). Last evaluated 2024-01-17.

Conditions:
Abetalipoproteinaemia (ABL). Also called: MTP DEFICIENCY; Abetalipoproteinemia; Abetalipoproteinemia neuropathy; Apolipoprotein B deficiency; Congenital betalipoprotein deficiency syndrome. Identifiers: Orphanet 14, MedGen C0000744, MONDO:0008692, OMIM 200100, HP:0008181.

Allele frequency attached by ClinVar (database versions not stated): gnomAD exomes below 0.00001.
gnomAD v4.1: 2 of 1,595,790 alleles (0.00013%); highest among the groups gnomAD compares: Admixed American, 0.0017%; no homozygotes.

Submissions (2):

Fulgent Genetics
Classification: Likely pathogenic for Abetalipoproteinaemia. Last evaluated: 2024-01-17. Review status: criteria provided, single submitter. Criteria: ACMG Guidelines, 2015. Collection method: clinical testing. Allele origin: germline.

Labcorp Genetics (formerly Invitae), Labcorp
Classification: Likely pathogenic. Last evaluated: 2021-01-20. Review status: criteria provided, single submitter. Criteria: Invitae Variant Classification Sherloc (09022015). Collection method: clinical testing. Allele origin: germline.
Comment: Algorithms developed to predict the effect of sequence changes on RNA splicing suggest that this variant may disrupt the consensus splice site, but this prediction has not been confirmed by published transcriptional studies. This sequence change affects an acceptor splice site in intron 5 of the MTTP gene. It is expected to disrupt RNA splicing. Variants that disrupt the donor or acceptor splice site typically lead to a loss of protein function (PMID: 16199547), and loss-of-function variants in MTTP are known to be pathogenic (PMID: 8533758, 9671739). This variant is not present in population databases (ExAC no frequency). This variant has not been reported in the literature in individuals with MTTP-related conditions. In summary, the currently available evidence indicates that the variant is pathogenic, but additional data are needed to prove that conclusively. Therefore, this variant has been classified as Likely Pathogenic.

Literature cited by the submitters: PubMed 16199547 (cited by Labcorp Genetics (formerly Invitae), Labcorp); PubMed 8533758 (cited by Labcorp Genetics (formerly Invitae), Labcorp); PubMed 9671739 (cited by Labcorp Genetics (formerly Invitae), Labcorp).